The following is an entry in ClinVar:

NM_001365536.1(SCN9A):c.5318C>T (p.Pro1773Leu)

Genes: SCN1A-AS1 (SCN1A and SCN9A antisense RNA 1; plus strand), SCN9A (sodium voltage-gated channel alpha subunit 9; minus strand). Cytogenetic location: 2q24.3.
Variant type: single nucleotide variant.
Coding change: c.5318C>T on transcript NM_001365536.1 (MANE Select); coding-DNA position 5318, C replaced by T.
Protein change: p.Pro1773Leu; replaces proline 1773 with leucine.
Molecular consequence: missense variant.
Genome position (GRCh38, 1-based): chr2:166,199,321, G>A on the plus strand (C>T on the coding strand, the complement: SCN9A is on the minus strand). VCF-style: chr2-166199321-G-A. GRCh37 (hg19) VCF-style: chr2-167055831-G-A.
Other names: c.5285C>T, p.Pro1762Leu (NM_002977.4); short protein forms P1762L, P1773L.
Identifiers: ClinVar variation 847404 (VCV000847404.10), dbSNP rs1693364869, ClinGen allele CA349053595.

ClinVar aggregate classification (germline): Uncertain significance (1 of 4 stars; one submission).

Conditions:
Neuropathy, hereditary sensory and autonomic, type 2A (HSAN2A). Also called: HSAN IIA; ACROOSTEOLYSIS, GIACCAI TYPE; ACROOSTEOLYSIS, NEUROGENIC; MORVAN DISEASE; NEUROPATHY, CONGENITAL SENSORY; NEUROPATHY, HEREDITARY SENSORY RADICULAR, AUTOSOMAL RECESSIVE. Identifiers: Orphanet 970, MedGen C2752089, MONDO:0024309, OMIM 201300.
Generalized epilepsy with febrile seizures plus, type 7 (GEFSP7). Also called: GEFS+, TYPE 7. Identifiers: Orphanet 36387, MedGen C2751778, MONDO:0013470, OMIM 613863.

Submission:

Labcorp Genetics (formerly Invitae), Labcorp
Classification: Uncertain significance for Neuropathy, hereditary sensory and autonomic, type 2A; Generalized epilepsy with febrile seizures plus, type 7. Last evaluated: 2025-02-18. Review status: criteria provided, single submitter. Criteria: Invitae Variant Classification Sherloc (09022015). Collection method: clinical testing. Allele origin: germline.
Comment: This sequence change replaces proline, which is neutral and non-polar, with leucine, which is neutral and non-polar, at codon 1762 of the SCN9A protein (p.Pro1762Leu). This variant is not present in population databases (gnomAD no frequency). This variant has not been reported in the literature in individuals affected with SCN9A-related conditions. ClinVar contains an entry for this variant (Variation ID: 847404). Invitae Evidence Modeling of protein sequence and biophysical properties (such as structural, functional, and spatial information, amino acid conservation, physicochemical variation, residue mobility, and thermodynamic stability) indicates that this missense variant is not expected to disrupt SCN9A protein function with a negative predictive value of 95%. In summary, the available evidence is currently insufficient to determine the role of this variant in disease. Therefore, it has been classified as a Variant of Uncertain Significance.